The following is an entry in ClinVar:

NM_002528.7(NTHL1):c.614C>T (p.Ala205Val)

Gene: NTHL1 (nth like DNA glycosylase 1; minus strand). Cytogenetic location: 16p13.3.
Variant type: single nucleotide variant.
Coding change: c.614C>T on transcript NM_002528.7 (MANE Select); coding-DNA position 614, C replaced by T.
Protein change: p.Ala205Val; replaces alanine 205 with valine.
Molecular consequence: missense variant.
Genome position (GRCh38, 1-based): chr16:2,043,638, G>A on the plus strand (C>T on the coding strand, the complement: NTHL1 is on the minus strand). VCF-style: chr16-2043638-G-A. GRCh37 (hg19) VCF-style: chr16-2093639-G-A.
Other names: c.614C>T, p.Ala205Val (LRG_1366t1); c.443C>T, p.Ala148Val (NM_001318193.2); c.284C>T, p.Ala95Val (NM_001318194.2); short protein forms A148V, A205V, A95V.
Identifiers: ClinVar variation 640737 (VCV000640737.28), dbSNP rs748719278, ClinGen allele CA7828191.
Genomic context (GRCh38, chr16:2,043,638, plus strand): 5'-ACAGTGCCCCAGGCCACAGCCATAGCCAGGTGTGCCATCTTGGGCCCAACACCCGGCAGC[G>A]CCACCAGCTCGGCCACAGAGGCTGGGATGTCCCCACCGTAGTGCTGCTGCAGGATGGCGC-3'
Protein context (NP_002519.2, residues 195-215): DIPASVAELV[Ala205Val]LPGVGPKMAH

ClinVar aggregate classification (germline): Uncertain significance. Review status: criteria provided, multiple submitters, no conflicts (2 of 4 stars). 7 submissions from 7 submitters: Uncertain significance (7). Last evaluated 2026-01-31.

Conditions:
Familial adenomatous polyposis 3. Also called: NTHL1-associated polyposis; NTHL1-related attenuated familial adenomatous polyposis; NTHL1-Related Adenomatous Polyposis and Colorectal Cancer; NTHL1 Tumor Syndrome. Identifiers: Orphanet 220460, Orphanet 454840, MedGen C4225157, MONDO:0014630, OMIM 616415.
Hereditary cancer-predisposing syndrome. Also called: Neoplastic Syndromes, Hereditary; Hereditary Cancer Syndrome; Tumor predisposition; Hereditary neoplastic syndrome. Identifiers: Orphanet 140162, MedGen C0027672, MeSH D009386, MONDO:0015356.
NTHL1-related disorder. Also called: NTHL1-related conditions; NTHL1-related condition.

Allele frequency attached by ClinVar (database versions not stated): gnomAD 0.00001; TOPMed 0.00004; gnomAD exomes 0.00005; ExAC 0.00011.

Submissions (7):

Labcorp Genetics (formerly Invitae), Labcorp
Classification: Uncertain significance. Last evaluated: 2026-01-31. Review status: criteria provided, single submitter. Criteria: Invitae Variant Classification Sherloc (09022015). Collection method: clinical testing. Allele origin: germline.
Comment: This sequence change replaces alanine, which is neutral and non-polar, with valine, which is neutral and non-polar, at codon 213 of the NTHL1 protein (p.Ala213Val). This variant is present in population databases (rs748719278, gnomAD 0.01%). This variant has not been reported in the literature in individuals affected with NTHL1-related conditions. ClinVar contains an entry for this variant (Variation ID: 640737). An algorithm developed to predict the effect of missense changes on protein structure and function (PolyPhen-2) suggests that this variant is likely to be disruptive. In summary, the available evidence is currently insufficient to determine the role of this variant in disease. Therefore, it has been classified as a Variant of Uncertain Significance.

Ambry Genetics
Classification: Uncertain significance for Hereditary cancer-predisposing syndrome. Last evaluated: 2025-08-27. Review status: criteria provided, single submitter. Criteria: Ambry Variant Classification Scheme 2023. Collection method: clinical testing. Allele origin: germline.

Center for Genomic Medicine, Rigshospitalet, Copenhagen University Hospital
Classification: Uncertain significance. Last evaluated: 2025-03-04. Review status: criteria provided, single submitter. Criteria: ACMG Guidelines, 2015. Collection method: clinical testing. Allele origin: germline.

Quest Diagnostics Nichols Institute San Juan Capistrano
Classification: Uncertain significance. Last evaluated: 2024-08-25. Review status: criteria provided, single submitter. Criteria: Quest Diagnostics criteria. Collection method: clinical testing. Allele origin: unknown.
Comment: The NTHL1 c.638C>T (p.Ala213Val) variant has not been reported in individuals with NTHL1-related conditions in the published literature. The frequency of this variant in the general population, 0.0005 (13/25962 chromosomes (Genome Aggregation Database)), is uninformative in the assessment of its pathogenicity. Analysis of this variant using bioinformatics tools for the prediction of the effect of amino acid changes on protein structure and function yielded conflicting predictions that this variant is benign or damaging. Based on the available information, we are unable to determine the clinical significance of this variant.

Baylor Genetics
Classification: Uncertain significance for Familial adenomatous polyposis 3. Last evaluated: 2024-01-31. Review status: criteria provided, single submitter. Criteria: ACMG Guidelines, 2015. Collection method: clinical testing. Allele origin: unknown.

PreventionGenetics, part of Exact Sciences
Classification: Uncertain significance for NTHL1-related condition. Last evaluated: 2023-06-22. Review status: criteria provided, single submitter. Criteria: ACMG Guidelines, 2015. Collection method: clinical testing. Allele origin: germline.
Comment: The NTHL1 c.638C>T variant is predicted to result in the amino acid substitution p.Ala213Val. To our knowledge, this variant has not been reported in the literature. This variant is reported in 0.012% of alleles in individuals of European (Non-Finnish) descent in gnomAD. At this time, the clinical significance of this variant is uncertain due to the absence of conclusive functional and genetic evidence.

GeneDx
Classification: Uncertain significance. Last evaluated: 2022-02-10. Review status: criteria provided, single submitter. Criteria: GeneDx Variant Classification Process June 2021. Collection method: clinical testing. Allele origin: germline. Affected: yes.
Comment: Not observed at significant frequency in large population cohorts (gnomAD); In silico analysis supports that this missense variant does not alter protein structure/function; Has not been previously published as pathogenic or benign to our knowledge